The following is an entry in ClinVar:

NM_203475.3(PORCN):c.1284G>C (p.Gln428His)

Gene: PORCN (porcupine O-acyltransferase; plus strand). Cytogenetic location: Xp11.23.
Variant type: single nucleotide variant.
Coding change: c.1284G>C on transcript NM_203475.3 (MANE Select); coding-DNA position 1284, G replaced by C.
Protein change: p.Gln428His; replaces glutamine 428 with histidine.
Molecular consequence: missense variant.
Genome position (GRCh38, 1-based): chrX:48,517,293, G>C. VCF-style: chrX-48517293-G-C. GRCh37 (hg19) VCF-style: chrX-48375681-G-C.
Other names: c.1038G>C, p.Gln346His (NM_001282167.2); c.1251G>C, p.Gln417His (NM_022825.4); c.1269G>C, p.Gln423His (NM_203473.3); c.1266G>C, p.Gln422His (NM_203474.1); short protein forms Q346H, Q417H, Q422H, Q428H, Q423H.
Identifiers: ClinVar variation 2227168 (VCV002227168.3), dbSNP rs2519491975, ClinGen allele CA412849664.

ClinVar aggregate classification (germline): Likely pathogenic (1 of 4 stars; one submission).

Conditions:
Inborn genetic diseases. Identifiers: MedGen C0950123, MeSH D030342.

Submission:

Ambry Genetics
Classification: Likely pathogenic for Inborn genetic diseases. Last evaluated: 2026-07-29. Review status: criteria provided, single submitter. Criteria: Ambry Variant Classification Scheme 2023. Collection method: clinical testing. Allele origin: germline.
Comment: The c.1284G>C (p.Q428H) alteration is located in coding exon 13 of the PORCN gene. This alteration results from a G to C substitution at nucleotide position 1284 and occurs in the last base pair of coding exon 13, which makes it likely to have some effect on normal mRNA splicing. In addition to potential splicing impact, this alteration causes the glutamine (Q) at amino acid position 428 to be replaced by a histidine (H). This variant was not reported in population-based cohorts in the Genome Aggregation Database (gnomAD). This amino acid position is highly conserved in available vertebrate species. In silico splice site analysis predicts that this alteration may weaken the native splice donor site and will result in the creation or strengthening of a novel splice donor site. Based on the available evidence, this alteration is classified as likely pathogenic.